The following is an entry in ClinVar:

NM_000016.6(ACADM):c.27_28del (p.Cys9fs)

Gene: ACADM (acyl-CoA dehydrogenase medium chain; plus strand). Cytogenetic location: 1p31.1.
Variant type: Deletion.
Coding change: c.27_28del on transcript NM_000016.6 (MANE Select); coding-DNA positions 27 to 28, 2 bases deleted (CA; older notation c.27_28delCA).
Protein change: p.Cys9fs; shifts the reading frame from cysteine 9.
Molecular consequence: frameshift variant. On other transcripts: 5 prime UTR variant (1).
Genome position (GRCh38, 1-based): chr1:75,724,814-75,724,815, CA deleted. VCF-style (leftmost placement, unchanged base first): chr1-75724813-GCA-G. GRCh37 (hg19) VCF-style: chr1-76190498-GCA-G.
Other names: c.27_28del, p.Cys9fs (NM_001127328.3, NM_001286043.2); c.7_8del, p.Gln3fs (NM_001286042.2); c.-271_-270del (NM_001286044.2); short protein forms C9fs, Q3fs.
Identifiers: ClinVar variation 5014655 (VCV005014655.1).
Genomic context (GRCh38, chr1:75,724,813, plus strand): 5'-GTATTATTGTCCGAGTGGCCGGAACGGGAGCCAACATGGCAGCGGGGTTCGGGCGATGCT[GCA>G]GGGTGAGAGGGAGCCCAGCGGTGCGGTGGGGCTGGAACATGGGTATTGTGGTGTCGGAGC-3'

ClinVar aggregate classification (germline): Pathogenic (1 of 4 stars; one submission).

Conditions:
Medium-chain acyl-coenzyme A dehydrogenase deficiency (ACADMD). Also called: ACADM DEFICIENCY; CARNITINE DEFICIENCY SECONDARY TO MEDIUM-CHAIN ACYL-CoA DEHYDROGENASE DEFICIENCY; MCADH DEFICIENCY; MCADD; Medium chain acyl-CoA dehydrogenase deficiency; MCAD Deficiency. Identifiers: Orphanet 42, MedGen C0220710, MONDO:0008721, OMIM 201450.

Submission:

Myriad Genetics, Inc.
Classification: Pathogenic for Medium-chain acyl-coenzyme A dehydrogenase deficiency. Last evaluated: 2025-06-28. Review status: criteria provided, single submitter. Criteria: Myriad Autosomal Dominant, Autosomal Recessive and X-Linked Classification Criteria (2023). Collection method: clinical testing. Allele origin: unknown.
Comment: NM_000016.4(ACADM):c.27_28delCA(C9Wfs*23) is expected to be pathogenic in the context of medium-chain acyl-CoA dehydrogenase deficiency. This variant is predicted to lead to an abnormal or absent protein product due to the creation of a premature termination codon in ACADM, a gene where loss-of-function variants are known to be pathogenic. Please note: this variant was assessed in the context of healthy population screening.